The following is an entry in ClinVar:

NM_000321.3(RB1):c.1573G>A (p.Ala525Thr)

Gene: RB1 (RB transcriptional corepressor 1; plus strand). Cytogenetic location: 13q14.2.
Variant type: single nucleotide variant.
Coding change: c.1573G>A on transcript NM_000321.3 (MANE Select); coding-DNA position 1573, G replaced by A.
Protein change: p.Ala525Thr; replaces alanine 525 with threonine.
Molecular consequence: missense variant.
Genome position (GRCh38, 1-based): chr13:48,381,321, G>A. VCF-style: chr13-48381321-G-A. GRCh37 (hg19) VCF-style: chr13-48955457-G-A.
Other names: short protein forms A525T.
Identifiers: ClinVar variation 135119 (VCV000135119.21), dbSNP rs587778640, ClinGen allele CA026380.

ClinVar aggregate classification (germline): Conflicting classifications of pathogenicity. Review status: criteria provided, conflicting classifications (1 of 4 stars). 8 submissions from 8 submitters: Uncertain significance (2); Benign (2); Likely benign (2). 2 of the submissions do not count toward it. Last evaluated 2026-06-18.

Conditions:
Hereditary cancer-predisposing syndrome. Also called: Hereditary Cancer Syndrome; Neoplastic Syndromes, Hereditary; Tumor predisposition; Hereditary neoplastic syndrome. Identifiers: Orphanet 140162, MedGen C0027672, MeSH D009386, MONDO:0015356.
Ovarian cancer. Also called: OVARIAN CANCER, SOMATIC. Identifiers: Orphanet 213500, MedGen C1140680, MONDO:0008170, OMIM 167000.
Retinoblastoma (RB1). Also called: RETINOBLASTOMA, SOMATIC. Identifiers: Orphanet 790, MedGen C0035335, MeSH D012175, MONDO:0008380, OMIM 180200, HP:0009919. Disease mechanism: loss of function. Inheritance: Both sporadic and heritable forms are tested..

Allele frequency attached by ClinVar (database versions not stated): ExAC 0.00010; TOPMed 0.00002; gnomAD 0.00003 and 0.00004; gnomAD exomes 0.00006 and 0.00004.
gnomAD v4.1: 56 of 1,611,880 alleles (0.0035%); highest among the groups gnomAD compares: South Asian, 0.019%; no homozygotes.

Submissions (8):

Myriad Genetics, Inc.
Classification: Likely benign for Retinoblastoma. Last evaluated: 2026-06-18. Review status: criteria provided, single submitter. Criteria: Myriad Autosomal Dominant, Autosomal Recessive and X-Linked Classification Criteria (2023). Collection method: clinical testing. Allele origin: unknown.
Comment: This variant is considered likely benign. This variant has been observed at a population frequency that is significantly greater than expected given the associated disease prevalence and penetrance.

Labcorp Genetics (formerly Invitae), Labcorp
Classification: Benign for Retinoblastoma. Last evaluated: 2025-12-15. Review status: criteria provided, single submitter. Criteria: Invitae Variant Classification Sherloc (09022015). Collection method: clinical testing. Allele origin: germline.

All of Us Research Program, National Institutes of Health
Classification: Uncertain significance for Retinoblastoma. Last evaluated: 2024-01-11. Review status: criteria provided, single submitter. Criteria: ACMG Guidelines, 2015. Collection method: clinical testing. Allele origin: germline. Inheritance: Autosomal dominant inheritance. Observed: 4 variant alleles, 4 heterozygotes.
Comment: This missense variant replaces alanine with threonine at codon 525 of the RB1 protein. Computational prediction suggests that this variant may have deleterious impact on protein structure and function (internally defined REVEL score threshold >= 0.7, PMID: 27666373). To our knowledge, functional studies have not been reported for this variant. This variant has been reported in an individual affected with unilateral retinoblastoma but was also found in their unaffected parent and in other asymptomatic individuals (PMID: 24728327, 34680218). This variant has been identified in 15/249180 chromosomes in the general population by the Genome Aggregation Database (gnomAD), suggesting the variant frequency is greater than expected for the disease. The available evidence is insufficient to determine the role of this variant in disease conclusively. Therefore, this variant is classified as a Variant of Uncertain Significance.

This study involves interpretation of variants in research participants for the purpose of population health screening. Participant phenotype was not available at the time of variant classification. Additional details can be found in publication PMID: 35346344, PMCID: PMC8962531

GeneDx
Classification: Uncertain significance. Last evaluated: 2023-08-15. Review status: criteria provided, single submitter. Criteria: GeneDx Variant Classification Process June 2021. Collection method: clinical testing. Allele origin: germline. Affected: yes.
Comment: In silico analysis supports that this missense variant has a deleterious effect on protein structure/function; In silico analysis suggests this variant may impact gene splicing. In the absence of RNA/functional studies, the actual effect of this sequence change is unknown.; Observed in an individual with unilateral retinoblastoma as well as their unaffected parent (Alekseeva et al., 2021); Observed in an individual with stomach cancer, as well as healthy individuals undergoing whole genome sequencing (Bodian et al., 2014; Huang et al., 2018); This variant is associated with the following publications: (PMID: 24728327, 34680218, 36451132, 29625052)

Ambry Genetics
Classification: Benign for Hereditary cancer-predisposing syndrome. Last evaluated: 2022-09-29. Review status: criteria provided, single submitter. Criteria: Ambry Variant Classification Scheme 2023. Collection method: clinical testing. Allele origin: germline.

Illumina Laboratory Services, Illumina
Classification: Likely benign for Retinoblastoma. Last evaluated: 2018-01-12. Review status: criteria provided, single submitter. Criteria: ICSL Variant Classification Criteria 13 December 2019. Collection method: clinical testing. Allele origin: germline.
Comment: This variant was observed in the ICSL laboratory as part of a predisposition screen in an ostensibly healthy population. It had not been previously curated by ICSL or reported in the Human Gene Mutation Database (HGMD: prior to June 1st, 2018), and was therefore a candidate for classification through an automated scoring system. Utilizing variant allele frequency, disease prevalence and penetrance estimates, and inheritance mode, an automated score was calculated to assess if this variant is too frequent to cause the disease. Based on the score and internal cut-off values, a variant classified as likely benign is not then subjected to further curation. The score for this variant resulted in a classification of likely benign for this disease.

ITMI
No classification provided. Condition: AllHighlyPenetrant. Last evaluated: 2013-09-19. Review status: no classification provided. Collection method: reference population. Allele origin: germline. Not counted in ClinVar's aggregate classification.
Comment: Please see associated publication for description of ethnicities

Laboratory of Molecular Epidemiology of Birth Defects, West China Second University Hospital, Sichuan University
Classification: Likely pathogenic for Ovarian cancer. Last evaluated: 2022-01-01. Review status: flagged submission. Criteria: ACMG Guidelines, 2015. Collection method: clinical testing. Allele origin: germline. Affected: yes. Not counted in ClinVar's aggregate classification.
ClinVar note: Reason: Outlier claim with insufficient supporting evidence

Literature cited by the submitters: PubMed 24728327 (cited by All of Us Research Program, National Institutes of Health and ITMI); PubMed 34680218 (cited by All of Us Research Program, National Institutes of Health and Ambry Genetics).